The following is an entry in ClinVar:

ClinVar aggregate classification (germline): Uncertain significance. Review status: criteria provided, multiple submitters, no conflicts (2 of 4 stars). 3 submissions from 3 submitters: Uncertain significance (3). Last evaluated 2026-10-01.

Conditions:
Neuroblastoma, susceptibility to, 1. Identifiers: MedGen C2749485, MONDO:0009741, OMIM 256700.
Charcot-Marie-Tooth disease type 2. Also called: Charcot-Marie-Tooth type 2. Identifiers: Orphanet 64746, MedGen C0270914, MONDO:0018993.

Allele frequency attached by ClinVar (database versions not stated): gnomAD exomes 0.00001.
gnomAD v4.1: 4 of 1,613,840 alleles (0.00025%); highest among the groups gnomAD compares: Admixed American, 0.0017%; no homozygotes.

Submissions (3):

St. Jude Molecular Pathology, St. Jude Children's Research Hospital
Classification: Uncertain significance for Neuroblastoma, susceptibility to, 1. Last evaluated: 2026-10-01. Review status: criteria provided, single submitter. Criteria: St. Jude Assertion Criteria 2020. Collection method: clinical testing. Allele origin: germline.
Comment: The KIF1B c.4519A>C p.(Thr1507Pro) missense change has a maximum subpopulation frequency of 0 .003% in gnomAD v2.1.1. The in silico tool REVEL is inconclusive about a pathogenic or benign effect of this variant on protein function, and to our knowledge functional studies have not been performed. To our knowledg e, this variant has not been reported in individuals with pheochromocytoma or neuroblastoma. In summary, the evidence currently available is insufficient to determine the clinical significance of this variant. It has therefore been classified as of uncer tain significance.

Ambry Genetics
Classification: Uncertain significance. Last evaluated: 2024-07-18. Review status: criteria provided, single submitter. Criteria: Ambry Variant Classification Scheme 2023. Collection method: clinical testing. Allele origin: germline.
Comment: The p.T1507P variant (also known as c.4519A>C), located in coding exon 40 of the KIF1B gene, results from an A to C substitution at nucleotide position 4519. The threonine at codon 1507 is replaced by proline, an amino acid with highly similar properties. This amino acid position is highly conserved in available vertebrate species. In addition, the in silico prediction for this alteration is inconclusive. Since supporting evidence is limited at this time, the clinical significance of this alteration remains unclear.

Labcorp Genetics (formerly Invitae), Labcorp
Classification: Uncertain significance for Charcot-Marie-Tooth disease type 2. Last evaluated: 2023-08-03. Review status: criteria provided, single submitter. Criteria: Invitae Variant Classification Sherloc (09022015). Collection method: clinical testing. Allele origin: germline.
Comment: This sequence change replaces threonine, which is neutral and polar, with proline, which is neutral and non-polar, at codon 1507 of the KIF1B protein (p.Thr1507Pro). This variant is present in population databases (no rsID available, gnomAD 0.003%). This variant has not been reported in the literature in individuals affected with KIF1B-related conditions. ClinVar contains an entry for this variant (Variation ID: 1741175). An algorithm developed to predict the effect of missense changes on protein structure and function (PolyPhen-2) suggests that this variant is likely to be disruptive. In summary, the available evidence is currently insufficient to determine the role of this variant in disease. Therefore, it has been classified as a Variant of Uncertain Significance.

NM_001365951.3(KIF1B):c.4657A>C (p.Thr1553Pro)

Gene: KIF1B (kinesin family member 1B; plus strand). Cytogenetic location: 1p36.22.
Variant type: single nucleotide variant.
Coding change: c.4657A>C on transcript NM_001365951.3 (MANE Select); coding-DNA position 4657, A replaced by C.
Protein change: p.Thr1553Pro; replaces threonine 1553 with proline.
Molecular consequence: missense variant.
Genome position (GRCh38, 1-based): chr1:10,365,553, A>C. VCF-style: chr1-10365553-A-C. GRCh37 (hg19) VCF-style: chr1-10425611-A-C.
Other names: c.4657A>C, p.Thr1553Pro (NM_001365952.1); c.4519A>C, p.Thr1507Pro (NM_015074.3); short protein forms T1553P, T1507P.
Identifiers: ClinVar variation 1741175 (VCV001741175.7), dbSNP rs1282694024, ClinGen allele CA338322161.